The following is an entry in ClinVar:

ClinVar aggregate classification (germline): Uncertain significance. Review status: criteria provided, multiple submitters, no conflicts (2 of 4 stars). 4 submissions from 4 submitters: Uncertain significance (4). Last evaluated 2026-04-29.

Conditions:
Epidermolysis bullosa simplex 5B, with muscular dystrophy (EBS5B). Also called: EPIDERMOLYSIS BULLOSA SIMPLEX AND LIMB-GIRDLE MUSCULAR DYSTROPHY; Epidermolysis bullosa simplex with muscular dystrophy. Identifiers: Orphanet 257, MedGen C2931072, MONDO:0009181, OMIM 226670.
Epidermolysis bullosa simplex with nail dystrophy (EBS5D). Identifiers: MedGen C4225309, MONDO:0014661, OMIM 616487.
Epidermolysis bullosa simplex, Ogna type (EBS5A). Also called: Pidermolysis bullosa simplex 5A, Ogna type; EPIDERMOLYSIS BULLOSA SIMPLEX 5A, OGNA TYPE. Identifiers: Orphanet 79401, MedGen C0432317, MONDO:0007555, OMIM 131950.
Epidermolysis bullosa simplex 5C, with pyloric atresia (EBS5C). Also called: PLEC-Related Epidermolysis Bullosa with Pyloric Atresia; Epidermolysis bullosa simplex with pyloric atresia; PLEC1-Related Epidermolysis Bullosa with Pyloric Atresia. Identifiers: Orphanet 158684, MedGen C2677349, MONDO:0012807, OMIM 612138.
Autosomal recessive limb-girdle muscular dystrophy type 2Q (LGMDR17). Also called: MUSCULAR DYSTROPHY, LIMB-GIRDLE, AUTOSOMAL RECESSIVE 17. Identifiers: Orphanet 254361, MedGen C3150989, MONDO:0013390, OMIM 613723.
PLEC-related disorder. Also called: PLEC-related disorders; PLEC-related condition.
Inborn genetic diseases. Identifiers: MedGen C0950123, MeSH D030342.

Allele frequency attached by ClinVar (database versions not stated): TOPMed below 0.00001; gnomAD 0.00001; gnomAD exomes 0.00002; ExAC 0.00003.
gnomAD v4.1: 31 of 1,544,976 alleles (0.002%); highest among the groups gnomAD compares: Non-Finnish European, 0.0024%; no homozygotes.

Submissions (4):

PreventionGenetics, part of Exact Sciences
Classification: Uncertain significance for PLEC-related condition. Last evaluated: 2026-04-29. Review status: criteria provided, single submitter. Criteria: ACMG Guidelines, 2015. Collection method: clinical testing. Allele origin: germline.
Comment: The PLEC c.5542G>A variant is predicted to result in the amino acid substitution p.Glu1848Lys. To our knowledge, this variant has not been reported in the literature. This variant is reported in 0.0044% of alleles in individuals of European (Non-Finnish) descent in gnomAD. At this time, the clinical significance of this variant is uncertain due to the absence of conclusive functional and genetic evidence.

Labcorp Genetics (formerly Invitae), Labcorp
Classification: Uncertain significance for Autosomal recessive limb-girdle muscular dystrophy type 2Q; Epidermolysis bullosa simplex, Ogna type; Epidermolysis bullosa simplex with nail dystrophy; Epidermolysis bullosa simplex 5C, with pyloric atresia; Epidermolysis bullosa simplex 5B, with muscular dystrophy. Last evaluated: 2025-07-29. Review status: criteria provided, single submitter. Criteria: Invitae Variant Classification Sherloc (09022015). Collection method: clinical testing. Allele origin: germline.
Comment: This sequence change replaces glutamic acid, which is acidic and polar, with lysine, which is basic and polar, at codon 1848 of the PLEC protein (p.Glu1848Lys). The frequency data for this variant in the population databases is considered unreliable, as metrics indicate poor data quality at this position in the gnomAD database. This variant has not been reported in the literature in individuals affected with PLEC-related conditions. ClinVar contains an entry for this variant (Variation ID: 2351059). Experimental studies and prediction algorithms are not available or were not evaluated, and the functional significance of this variant is currently unknown. In summary, the available evidence is currently insufficient to determine the role of this variant in disease. Therefore, it has been classified as a Variant of Uncertain Significance.

Ambry Genetics
Classification: Uncertain significance for Inborn genetic diseases. Last evaluated: 2022-12-19. Review status: criteria provided, single submitter. Criteria: Ambry Variant Classification Scheme 2023. Collection method: clinical testing. Allele origin: germline.

Revvity Omics, Revvity
Classification: Uncertain significance. Last evaluated: 2019-12-24. Review status: criteria provided, single submitter. Criteria: ACMG Guidelines, 2015. Collection method: clinical testing. Allele origin: germline.

NM_201384.3(PLEC):c.5461G>A (p.Glu1821Lys)

Gene: PLEC (plectin; minus strand). Cytogenetic location: 8q24.3.
Variant type: single nucleotide variant.
Coding change: c.5461G>A on transcript NM_201384.3 (MANE Select); coding-DNA position 5461, G replaced by A.
Protein change: p.Glu1821Lys; replaces glutamic acid 1821 with lysine.
Molecular consequence: missense variant.
Genome position (GRCh38, 1-based): chr8:143,924,468, C>T on the plus strand (G>A on the coding strand, the complement: PLEC is on the minus strand). VCF-style: chr8-143924468-C-T. GRCh37 (hg19) VCF-style: chr8-144998636-C-T.
Other names: c.5542G>A, p.Glu1848Lys (NM_000445.5); c.5419G>A, p.Glu1807Lys (NM_201378.4); c.5395G>A, p.Glu1799Lys (NM_201379.3); c.5872G>A, p.Glu1958Lys (NM_201380.4); c.5365G>A, p.Glu1789Lys (NM_201381.3); c.5461G>A, p.Glu1821Lys (NM_201382.4); c.5473G>A, p.Glu1825Lys (NM_201383.3); c.5542G>A (NM_000445.4); short protein forms E1821K, E1789K, E1807K, E1848K, E1799K, E1825K, E1958K.
Identifiers: ClinVar variation 2351059 (VCV002351059.9), dbSNP rs782659674, ClinGen allele CA4926358.